The following is an entry in ClinVar:

NM_004714.3(DYRK1B):c.535C>A (p.His179Asn)

Gene: DYRK1B (dual specificity tyrosine phosphorylation regulated kinase 1B; minus strand). Cytogenetic location: 19q13.2.
Variant type: single nucleotide variant.
Coding change: c.535C>A on transcript NM_004714.3 (MANE Select); coding-DNA position 535, C replaced by A.
Protein change: p.His179Asn; replaces histidine 179 with asparagine.
Molecular consequence: missense variant.
Genome position (GRCh38, 1-based): chr19:39,828,569, G>T on the plus strand (C>A on the coding strand, the complement: DYRK1B is on the minus strand). VCF-style: chr19-39828569-G-T. GRCh37 (hg19) VCF-style: chr19-40319209-G-T.
Other names: c.535C>A, p.His179Asn (NM_006483.3, NM_006484.3); short protein forms H179N.
Identifiers: ClinVar variation 3349992 (VCV003349992.1).
Genomic context (GRCh38, chr19:39,828,569, plus strand): 5'-CGTACAGGTTGTAGGACAGCAGCTCAAATACCAGGCACAGGTGGTTCCGGAACATGAAGT[G>T]CCGCTTCAGGTGTACTGCGGGGGAGGGGAGGAAATGGGCCAGAGAAGAAACGGCTCAGAG-3'
Protein context (NP_004705.1, residues 169-189): MKYYIVHLKR[His179Asn]FMFRNHLCLV

ClinVar aggregate classification (germline): Uncertain significance (0 of 4 stars; one submission).

Conditions:
DYRK1B-related disorder. Also called: DYRK1B-related condition.

gnomAD v4.1: 7 of 1,608,662 alleles (0.00044%); highest among the groups gnomAD compares: African/African-American, 0.0027%; no homozygotes.

Submission:

PreventionGenetics, part of Exact Sciences
Classification: Uncertain significance for DYRK1B-related condition. Last evaluated: 2023-12-15. Review status: no assertion criteria provided. Collection method: clinical testing. Allele origin: germline.
Comment: The DYRK1B c.535C>A variant is predicted to result in the amino acid substitution p.His179Asn. To our knowledge, this variant has not been reported in the literature. This variant is reported in 0.0082% of alleles in individuals of African descent in gnomAD. At this time, the clinical significance of this variant is uncertain due to the absence of conclusive functional and genetic evidence.